The following is an entry in ClinVar:

ClinVar aggregate classification (germline): Pathogenic (1 of 4 stars; one submission).

Conditions:
Propionic acidemia (PROP). Also called: GLYCINEMIA, KETOTIC; HYPERGLYCINEMIA WITH KETOACIDOSIS AND LEUKOPENIA; KETOTIC HYPERGLYCINEMIA. Identifiers: Orphanet 35, MedGen C0268579, MONDO:0011628, OMIM 606054, HP:0003571.

Submission:

Labcorp Genetics (formerly Invitae), Labcorp
Classification: Pathogenic for Propionic acidemia. Last evaluated: 2021-08-08. Review status: criteria provided, single submitter. Criteria: Invitae Variant Classification Sherloc (09022015). Collection method: clinical testing. Allele origin: germline.
Comment: For these reasons, this variant has been classified as Pathogenic. This variant has not been reported in the literature in individuals affected with PCCB-related conditions. The frequency data for this variant in the population databases is not available, as this variant may be reported as separate entries in the ExAC database. This sequence change creates a premature translational stop signal (p.Lys60_Arg61delinsAsn*) in the PCCB gene. It is expected to result in an absent or disrupted protein product. Loss-of-function variants in PCCB are known to be pathogenic (PMID: 15464417).

Literature cited by the submitters: PubMed 15464417.

NM_000532.5(PCCB):c.180_181delinsTT (p.Lys60_Arg61delinsAsnTer)

Gene: PCCB (propionyl-CoA carboxylase subunit beta; plus strand). Cytogenetic location: 3q22.3.
Variant type: Indel.
Coding change: c.180_181delinsTT on transcript NM_000532.5 (MANE Select); coding-DNA positions 180 to 181, GC replaced by TT.
Protein change: p.Lys60_Arg61delinsAsnTer.
Molecular consequence: nonsense.
Genome position (GRCh38, 1-based): chr3:136,250,555-136,250,556, GC replaced by TT. VCF-style: chr3-136250555-GC-TT. GRCh37 (hg19) VCF-style: chr3-135969397-GC-TT.
Other names: c.180_181delinsTT, p.Lys60_Arg61delinsAsnTer (NM_001178014.2).
Identifiers: ClinVar variation 1397031 (VCV001397031.6), dbSNP rs2108128163, ClinGen allele CA2573136601.